The following is an entry in ClinVar:

NM_001042492.3(NF1):c.395C>G (p.Ala132Gly)

Gene: NF1 (neurofibromin 1; plus strand). Cytogenetic location: 17q11.2.
Variant type: single nucleotide variant.
Coding change: c.395C>G on transcript NM_001042492.3 (MANE Select); coding-DNA position 395, C replaced by G.
Protein change: p.Ala132Gly; replaces alanine 132 with glycine.
Molecular consequence: missense variant.
Genome position (GRCh38, 1-based): chr17:31,163,292, C>G. VCF-style: chr17-31163292-C-G. GRCh37 (hg19) VCF-style: chr17-29490310-C-G.
Other names: c.395C>G, p.Ala132Gly (NM_000267.4, NM_001128147.3); short protein forms A132G.
Identifiers: ClinVar variation 4860839 (VCV004860839.1).

ClinVar aggregate classification (germline): Uncertain significance (1 of 4 stars; one submission).

Conditions:
Cardiovascular phenotype. Identifiers: MedGen CN230736.
Hereditary cancer-predisposing syndrome. Also called: Neoplastic Syndromes, Hereditary; Tumor predisposition; Hereditary Cancer Syndrome; Hereditary neoplastic syndrome. Identifiers: Orphanet 140162, MedGen C0027672, MeSH D009386, MONDO:0015356.

Submission:

Ambry Genetics
Classification: Uncertain significance for Cardiovascular phenotype; Hereditary cancer-predisposing syndrome. Last evaluated: 2026-05-26. Review status: criteria provided, single submitter. Criteria: Ambry Variant Classification Scheme 2023. Collection method: clinical testing. Allele origin: germline.
Comment: The p.A132G variant (also known as c.395C>G), located in coding exon 4 of the NF1 gene, results from a C to G substitution at nucleotide position 395. The alanine at codon 132 is replaced by glycine, an amino acid with similar properties. This amino acid position is well conserved in available vertebrate species. In addition, the in silico prediction for this alteration is inconclusive. Based on the available evidence, the clinical significance of this variant remains unclear.